The following is an entry in ClinVar:

NM_003055.3(SLC18A3):c.707A>G (p.Tyr236Cys)

Genes: CHAT (choline O-acetyltransferase; plus strand), SLC18A3 (solute carrier family 18 member A3; plus strand). Cytogenetic location: 10q11.23.
Variant type: single nucleotide variant.
Coding change: c.707A>G on transcript NM_003055.3 (MANE Select); coding-DNA position 707, A replaced by G.
Protein change: p.Tyr236Cys; replaces tyrosine 236 with cysteine.
Molecular consequence: missense variant. On other transcripts: intron variant (1).
Genome position (GRCh38, 1-based): chr10:49,611,447, A>G. VCF-style: chr10-49611447-A-G. GRCh37 (hg19) VCF-style: chr10-50819493-A-G.
Other names: c.-69+2248A>G (NM_020984.4); short protein forms Y236C.
Identifiers: ClinVar variation 1967679 (VCV001967679.5), dbSNP rs1228249125, ClinGen allele CA376720385.

ClinVar aggregate classification (germline): Uncertain significance (1 of 4 stars; one submission).

Allele frequency attached by ClinVar (database versions not stated): TOPMed below 0.00001; gnomAD 0.00001.
gnomAD v4.1: 4 of 1,598,212 alleles (0.00025%); highest among the groups gnomAD compares: Non-Finnish European, 0.00034%; no homozygotes.

Submission:

Labcorp Genetics (formerly Invitae), Labcorp
Classification: Uncertain significance. Last evaluated: 2022-02-24. Review status: criteria provided, single submitter. Criteria: Invitae Variant Classification Sherloc (09022015). Collection method: clinical testing. Allele origin: germline.
Comment: This variant has not been reported in the literature in individuals affected with SLC18A3-related conditions. This variant is not present in population databases (gnomAD no frequency). This sequence change replaces tyrosine, which is neutral and polar, with cysteine, which is neutral and slightly polar, at codon 236 of the SLC18A3 protein (p.Tyr236Cys). In summary, the available evidence is currently insufficient to determine the role of this variant in disease. Therefore, it has been classified as a Variant of Uncertain Significance. Algorithms developed to predict the effect of missense changes on protein structure and function (SIFT, PolyPhen-2, Align-GVGD) all suggest that this variant is likely to be disruptive.